The following is an entry in ClinVar:

ClinVar aggregate classification (germline): Uncertain significance (1 of 4 stars; one submission).

Submission:

Labcorp Genetics (formerly Invitae), Labcorp
Classification: Uncertain significance. Last evaluated: 2023-02-11. Review status: criteria provided, single submitter. Criteria: Invitae Variant Classification Sherloc (09022015). Collection method: clinical testing. Allele origin: germline.
Comment: This sequence change replaces valine, which is neutral and non-polar, with alanine, which is neutral and non-polar, at codon 603 of the TNNI3K protein (p.Val603Ala). This variant is not present in population databases (gnomAD no frequency). This variant has not been reported in the literature in individuals affected with TNNI3K-related conditions. Algorithms developed to predict the effect of missense changes on protein structure and function output the following: SIFT: "Tolerated"; PolyPhen-2: "Benign"; Align-GVGD: "Class C0". The alanine amino acid residue is found in multiple mammalian species, which suggests that this missense change does not adversely affect protein function. In summary, the available evidence is currently insufficient to determine the role of this variant in disease. Therefore, it has been classified as a Variant of Uncertain Significance.

NM_015978.3(TNNI3K):c.1808T>C (p.Val603Ala)

Genes: FPGT-TNNI3K (FPGT-TNNI3K readthrough; plus strand), TNNI3K (TNNI3 interacting kinase; plus strand). Cytogenetic location: 1p31.1.
Variant type: single nucleotide variant.
Coding change: c.1808T>C on transcript NM_015978.3 (MANE Select); coding-DNA position 1808, T replaced by C.
Protein change: p.Val603Ala; replaces valine 603 with alanine.
Molecular consequence: missense variant.
Genome position (GRCh38, 1-based): chr1:74,436,115, T>C. VCF-style: chr1-74436115-T-C. GRCh37 (hg19) VCF-style: chr1-74901799-T-C.
Other names: c.2111T>C, p.Val704Ala (NM_001112808.3, NM_001199327.2); short protein forms V704A, V603A.
Identifiers: ClinVar variation 2807443 (VCV002807443.3), dbSNP rs2524720830, ClinGen allele CA340788780.